The following is an entry in ClinVar:

ClinVar aggregate classification (germline): Conflicting classifications of pathogenicity. Review status: criteria provided, conflicting classifications (1 of 4 stars). 6 submissions from 6 submitters: Uncertain significance (1); Benign (1); Likely benign (2). 2 of the submissions do not count toward it. Last evaluated 2026-01-28.

Conditions:
DNAI2-related disorder. Also called: DNAI2-related condition.
Primary ciliary dyskinesia 9. Also called: CILIARY DYSKINESIA, PRIMARY, 9, WITH OR WITHOUT SITUS INVERSUS. Identifiers: Orphanet 244, MedGen C2676235, MONDO:0012906, OMIM 612444.
Primary ciliary dyskinesia. Also called: Ciliary dyskinesia. Identifiers: Orphanet 244, MedGen C0008780, MONDO:0016575, HP:0012265.

Allele frequency attached by ClinVar (database versions not stated): gnomAD below 0.00001 and 0.00018; TOPMed 0.00003; gnomAD exomes 0.00020 and 0.00047; ExAC 0.00050; 1000 Genomes Project 30x 0.00219; 1000 Genomes Project 0.00220.
gnomAD v4.1: 320 of 1,614,146 alleles (0.02%); highest among the groups gnomAD compares: South Asian, 0.34%; 8 homozygotes.

Submissions (6):

Labcorp Genetics (formerly Invitae), Labcorp
Classification: Benign for Primary ciliary dyskinesia. Last evaluated: 2026-01-28. Review status: criteria provided, single submitter. Criteria: Invitae Variant Classification Sherloc (09022015). Collection method: clinical testing. Allele origin: germline.

Ambry Genetics
Classification: Likely benign for Primary ciliary dyskinesia. Last evaluated: 2024-09-14. Review status: criteria provided, single submitter. Criteria: Ambry Variant Classification Scheme 2023. Collection method: clinical testing. Allele origin: germline.

Blueprint Genetics
Classification: Likely benign. Last evaluated: 2023-04-21. Review status: criteria provided, single submitter. Criteria: ACMG Guidelines, 2015. Collection method: clinical testing. Allele origin: germline.

Illumina Laboratory Services, Illumina
Classification: Uncertain significance for Primary ciliary dyskinesia 9. Last evaluated: 2018-01-13. Review status: criteria provided, single submitter. Criteria: ICSL Variant Classification Criteria 13 December 2019. Collection method: clinical testing. Allele origin: germline.

Natera, Inc.
Classification: Likely benign for Primary ciliary dyskinesia. Last evaluated: 2020-06-17. Review status: no assertion criteria provided. Collection method: clinical testing. Allele origin: germline. Not counted in ClinVar's aggregate classification.

PreventionGenetics, part of Exact Sciences
Classification: Likely benign for DNAI2-related condition. Last evaluated: 2019-02-21. Review status: no assertion criteria provided. Collection method: clinical testing. Allele origin: germline. Not counted in ClinVar's aggregate classification.
Comment: This variant is classified as likely benign based on ACMG/AMP sequence variant interpretation guidelines (Richards et al. 2015 PMID: 25741868, with internal and published modifications).

NM_023036.6(DNAI2):c.123C>T (p.Phe41=)

Gene: DNAI2 (dynein axonemal intermediate chain 2; plus strand). Cytogenetic location: 17q25.1.
Variant type: single nucleotide variant.
Coding change: c.123C>T on transcript NM_023036.6 (MANE Select); coding-DNA position 123, C replaced by T.
Protein change: p.Phe41=; no amino-acid change (phenylalanine 41 retained).
Molecular consequence: synonymous variant. On other transcripts: non-coding transcript variant (1).
Genome position (GRCh38, 1-based): chr17:74,281,940, C>T. VCF-style: chr17-74281940-C-T. GRCh37 (hg19) VCF-style: chr17-72278079-C-T.
Other names: c.123C>T, p.Phe41= (NM_001172810.3, NM_001353167.2).
Identifiers: ClinVar variation 698075 (VCV000698075.20), dbSNP rs542439989, ClinGen allele CA8745251.